The following is an entry in ClinVar:

ClinVar aggregate classification (germline): Likely pathogenic. Review status: criteria provided, multiple submitters, no conflicts (2 of 4 stars). 2 submissions from 2 submitters: Likely pathogenic (2). Last evaluated 2024-09-11.

Conditions:
Sandhoff disease. Also called: Beta-hexosaminidase-beta-subunit deficiency; GM2 gangliosidosis, type 2; Total hexosaminidase deficiency; Sandhoff-Jatzkewitz-Pilz disease; GM2-GANGLIOSIDOSIS, TYPE II; HEXOSAMINIDASES A AND B DEFICIENCY. Identifiers: Orphanet 796, MedGen C0036161, MONDO:0010006, OMIM 268800.

Allele frequency attached by ClinVar (database versions not stated): gnomAD exomes below 0.00001; gnomAD 0.00001.
gnomAD v4.1: 3 of 1,494,238 alleles (0.0002%); highest among the groups gnomAD compares: Non-Finnish European, 0.00028%; no homozygotes.

Submissions (2):

Natera, Inc.
Classification: Likely pathogenic for Sandhoff disease. Last evaluated: 2024-09-11. Review status: criteria provided, single submitter. Criteria: Natera Variant Classification Schema (03/2026). Collection method: clinical testing. Allele origin: germline.
Comment: The c.559-1G>A variant in HEXB is a canonical splice acceptor site variant predicted to affect pre-mRNA splicing, which may result in an abnormal transcript and altered protein product. This variant is expected to result in nonsense mediated decay, truncation, or a dysfunctional protein product. This variant is rare in the general population with a frequency below the threshold expected for the associated phenotype(s). Given the available evidence, this variant is classified as Likely Pathogenic.

Labcorp Genetics (formerly Invitae), Labcorp
Classification: Likely pathogenic for Sandhoff disease. Last evaluated: 2021-12-24. Review status: criteria provided, single submitter. Criteria: Invitae Variant Classification Sherloc (09022015). Collection method: clinical testing. Allele origin: germline.
Comment: In summary, the currently available evidence indicates that the variant is pathogenic, but additional data are needed to prove that conclusively. Therefore, this variant has been classified as Likely Pathogenic. Algorithms developed to predict the effect of sequence changes on RNA splicing suggest that this variant may disrupt the consensus splice site. This variant has not been reported in the literature in individuals affected with HEXB-related conditions. This variant is present in population databases (no rsID available, gnomAD 0.007%). This sequence change affects an acceptor splice site in intron 4 of the HEXB gene. It is expected to disrupt RNA splicing. Variants that disrupt the donor or acceptor splice site typically lead to a loss of protein function (PMID: 16199547), and loss-of-function variants in HEXB are known to be pathogenic (PMID: 7550345, 18758829).

Literature cited by the submitters: PubMed 16199547 (cited by Labcorp Genetics (formerly Invitae), Labcorp); PubMed 7550345 (cited by Labcorp Genetics (formerly Invitae), Labcorp); PubMed 18758829 (cited by Labcorp Genetics (formerly Invitae), Labcorp).

NM_000521.4(HEXB):c.559-1G>A

Gene: HEXB (hexosaminidase subunit beta; plus strand). Cytogenetic location: 5q13.3.
Variant type: single nucleotide variant.
Coding change: c.559-1G>A on transcript NM_000521.4 (MANE Select); the canonical splice acceptor site of the intron before coding-DNA position 559, G replaced by A.
Molecular consequence: splice acceptor variant.
Genome position (GRCh38, 1-based): chr5:74,696,995, G>A. VCF-style: chr5-74696995-G-A. GRCh37 (hg19) VCF-style: chr5-73992820-G-A.
Other names: c.559-1G>A (NM_000521.3); c.-117-1G>A (NM_001292004.2).
Identifiers: ClinVar variation 2057355 (VCV002057355.5), dbSNP rs1311903314, ClinGen allele CA360063814.